The following is an entry in ClinVar:

NM_001184.4(ATR):c.1858T>C (p.Leu620=)

Gene: ATR (ATR checkpoint kinase; minus strand). Cytogenetic location: 3q23.
Variant type: single nucleotide variant.
Coding change: c.1858T>C on transcript NM_001184.4 (MANE Select); coding-DNA position 1858, T replaced by C.
Protein change: p.Leu620=; no amino-acid change (leucine 620 retained).
Molecular consequence: synonymous variant.
Genome position (GRCh38, 1-based): chr3:142,558,651, A>G on the plus strand (T>C on the coding strand, the complement: ATR is on the minus strand). VCF-style: chr3-142558651-A-G. GRCh37 (hg19) VCF-style: chr3-142277493-A-G.
Other names: c.1666T>C, p.Leu556= (NM_001354579.2).
Identifiers: ClinVar variation 1131746 (VCV001131746.31), dbSNP rs770769122, ClinGen allele CA2650502.

ClinVar aggregate classification (germline): Likely benign. Review status: criteria provided, multiple submitters, no conflicts (2 of 4 stars). 6 submissions from 5 submitters: Likely benign (6). Last evaluated 2025-06-16.

Conditions:
Familial cutaneous telangiectasia and oropharyngeal predisposition cancer syndrome. Identifiers: Orphanet 313846, MedGen C3281203, MONDO:0013806, OMIM 614564.
Seckel syndrome 1 (SCKL1). Also called: MICROCEPHALIC PRIMORDIAL DWARFISM I. Identifiers: Orphanet 808, MedGen C4551474, MONDO:0008869, OMIM 210600.
Inborn genetic diseases. Identifiers: MedGen C0950123, MeSH D030342.

Allele frequency attached by ClinVar (database versions not stated): gnomAD 0.00001.
gnomAD v4.1: 28 of 1,613,282 alleles (0.0017%); highest among the groups gnomAD compares: Middle Eastern, 0.016%; no homozygotes.

Submissions (6):

Labcorp Genetics (formerly Invitae), Labcorp
Classification: Likely benign. Last evaluated: 2025-06-16. Review status: criteria provided, single submitter. Criteria: Invitae Variant Classification Sherloc (09022015). Collection method: clinical testing. Allele origin: germline.

CeGaT Center for Human Genetics Tuebingen
Classification: Likely benign. Last evaluated: 2024-05-01. Review status: criteria provided, single submitter. Criteria: CeGaT Center For Human Genetics Tuebingen Variant Classification Criteria Version 2. Collection method: clinical testing. Allele origin: germline. Affected: yes. Observed: 1 variant allele.
Comment: ATR: BP4, BP7

Blueprint Genetics
Classification: Likely benign. Last evaluated: 2023-07-10. Review status: criteria provided, single submitter. Criteria: ACMG Guidelines, 2015. Collection method: clinical testing. Allele origin: germline.

Genome-Nilou Lab
Classification: Likely benign for Seckel syndrome 1. Last evaluated: 2023-02-08. Review status: criteria provided, single submitter. Criteria: ACMG Guidelines, 2015. Collection method: clinical testing. Allele origin: germline.

Genome-Nilou Lab
Classification: Likely benign for Familial cutaneous telangiectasia and oropharyngeal predisposition cancer syndrome. Last evaluated: 2023-02-08. Review status: criteria provided, single submitter. Criteria: ACMG Guidelines, 2015. Collection method: clinical testing. Allele origin: germline.

Ambry Genetics
Classification: Likely benign for Inborn genetic diseases. Last evaluated: 2022-02-26. Review status: criteria provided, single submitter. Criteria: Ambry Variant Classification Scheme 2023. Collection method: clinical testing. Allele origin: germline.